The following is an entry in ClinVar:

ClinVar aggregate classification (germline): Uncertain significance (1 of 4 stars; one submission).

Allele frequency attached by ClinVar (database versions not stated): gnomAD 0.00001; TOPMed 0.00001; gnomAD exomes 0.00001.
gnomAD v4.1: 11 of 1,609,206 alleles (0.00068%); highest among the groups gnomAD compares: Non-Finnish European, 0.00093%; no homozygotes.

Submission:

Ambry Genetics
Classification: Uncertain significance. Last evaluated: 2025-04-21. Review status: criteria provided, single submitter. Criteria: Ambry Variant Classification Scheme 2023. Collection method: clinical testing. Allele origin: germline.
Comment: The p.I221V variant (also known as c.661A>G), located in coding exon 1 of the MC1R gene, results from an A to G substitution at nucleotide position 661. The isoleucine at codon 221 is replaced by valine, an amino acid with highly similar properties. This amino acid position is conserved. In addition, this alteration is predicted to be tolerated by in silico analysis. Based on the available evidence, the clinical significance of this variant remains unclear.

NM_002386.4(MC1R):c.661A>G (p.Ile221Val)

Gene: MC1R (melanocortin 1 receptor; plus strand). Cytogenetic location: 16q24.3.
Variant type: single nucleotide variant.
Coding change: c.661A>G on transcript NM_002386.4 (MANE Select); coding-DNA position 661, A replaced by G.
Protein change: p.Ile221Val; replaces isoleucine 221 with valine.
Molecular consequence: missense variant.
Genome position (GRCh38, 1-based): chr16:89,919,919, A>G. VCF-style: chr16-89919919-A-G. GRCh37 (hg19) VCF-style: chr16-89986327-A-G.
Other names: short protein forms I221V.
Identifiers: ClinVar variation 2246340 (VCV002246340.3), dbSNP rs1365988597, ClinGen allele CA397462638.